The following is an entry in ClinVar:

ClinVar aggregate classification (germline): Uncertain significance (1 of 4 stars; one submission).

Submission:

GeneDx
Classification: Uncertain significance. Last evaluated: 2015-12-07. Review status: criteria provided, single submitter. Criteria: GeneDx Variant Classification (06012015). Collection method: clinical testing. Allele origin: germline. Affected: yes.
Comment: A variant of uncertain significance has been identified in the FKRP gene. The c.957_958delGCinsAA variant has not been published as a pathogenic variant, nor has it been reported as a benign variant to our knowledge. It was not observed in approximately 5,600 individuals of European and African American ancestry in the NHLBI Exome Sequencing Project, indicating it is not a common benign variant in these populations. The c.957_958delGCinsAA variant is caused by two nucleotide substitutions (c.957 G>A and c.958 C>A) on the same allele (in cis), resulting in an in-frame deletion of a single Arginine residue and the insertion of a single Serine residue at amino acid position 320, denoted R320S. The R320S variant is a semi-conservative amino acid substitution, which may impact secondary protein structure as these residues differ in some properties. However, this substitution occurs at a position that is not conserved. In silico analysis is inconsistent in its predictions as to whether or not the variant is damaging to the protein structure/function. Therefore, based on the currently available information, it is unclear whether this variant is a pathogenic variant or a rare benign variant.

NM_024301.5(FKRP):c.957_958delinsAA (p.Arg320Ser)

Gene: FKRP (fukutin related protein; plus strand). Cytogenetic location: 19q13.32.
Variant type: Indel.
Coding change: c.957_958delinsAA on transcript NM_024301.5 (MANE Select); coding-DNA positions 957 to 958, GC replaced by AA.
Protein change: p.Arg320Ser; replaces arginine 320 with serine.
Molecular consequence: missense variant.
Genome position (GRCh38, 1-based): chr19:46,756,407-46,756,408, GC replaced by AA. VCF-style: chr19-46756407-GC-AA. GRCh37 (hg19) VCF-style: chr19-47259664-GC-AA.
Other names: c.957_958delinsAA, p.Arg320Ser (NM_001039885.3); short protein forms R320S.
Identifiers: ClinVar variation 449592 (VCV000449592.2), dbSNP rs1555738880, ClinGen allele CA658658824.
Genomic context (GRCh38, chr19:46,756,407, plus strand): 5'-CGTGGTGGGCGACACGCCCGCCTACCTCTACGAGGAGCGCTGGACGCCCCCCTGCTGCCT[GC>AA]GCGCGCTGCGCGAGACCGCCCGCTATGTGGTGGGCGTGCTGGAGGCTGCGGGCGTGCGCT-3'
Protein context (NP_077277.1, residues 310-330): EERWTPPCCL[Arg320Ser]ALRETARYVV